The following is an entry in ClinVar:

ClinVar aggregate classification (germline): Uncertain significance (1 of 4 stars; one submission).

Submission:

Labcorp Genetics (formerly Invitae), Labcorp
Classification: Uncertain significance. Last evaluated: 2023-11-28. Review status: criteria provided, single submitter. Criteria: Invitae Variant Classification Sherloc (09022015). Collection method: clinical testing. Allele origin: unknown.
Comment: A copy number gain of the genomic region encompassing the full coding sequence of the RPS27 gene has been identified. The boundaries of this event are unknown as they extend beyond the assayed region for this gene and therefore may encompass additional genes. As the precise location of this event is unknown, it may be in tandem or it may be located elsewhere in the genome. This variant has not been reported in the literature in individuals affected with RPS27-related conditions. In summary, the available evidence is currently insufficient to determine the role of this variant in disease. Therefore, it has been classified as a Variant of Uncertain Significance.

NC_000001.10:g.(?_153963273)_(153964569_?)dup

Gene: RPS27 (ribosomal protein S27; plus strand). Cytogenetic location: 1q21.3.
Variant type: Duplication.
Identifiers: ClinVar variation 3247905 (VCV003247905.1).